The following is an entry in ClinVar:

NM_007294.4(BRCA1):c.4255G>C (p.Glu1419Gln)

Gene: BRCA1 (BRCA1 DNA repair associated; minus strand). Cytogenetic location: 17q21.31.
Variant type: single nucleotide variant.
Coding change: c.4255G>C on transcript NM_007294.4 (MANE Select); coding-DNA position 4255, G replaced by C.
Protein change: p.Glu1419Gln; replaces glutamic acid 1419 with glutamine.
Molecular consequence: missense variant. On other transcripts: non-coding transcript variant (1).
Genome position (GRCh38, 1-based): chr17:43,082,506, C>G on the plus strand (G>C on the coding strand, the complement: BRCA1 is on the minus strand). VCF-style: chr17-43082506-C-G. GRCh37 (hg19) VCF-style: chr17-41234523-C-G.
Other names: 4374G>C; c.4255G>C, p.Glu1419Gln (NM_001407617.1, NM_001407618.1, NM_001407619.1 and 23 more transcripts); c.4252G>C, p.Glu1418Gln (NM_001407624.1, NM_001407625.1, NM_001407626.1 and 21 more transcripts); c.4249G>C, p.Glu1417Gln (NM_001407644.1, NM_001407645.1, NM_001407627.1 and 5 more transcripts); c.4243G>C, p.Glu1415Gln (NM_001407646.1, NM_001407647.1); c.4177G>C, p.Glu1393Gln (NM_001407658.1, NM_001407653.1, NM_001407654.1 and 2 more transcripts); c.4171G>C, p.Glu1391Gln (NM_001407659.1, NM_001407660.1); c.4174G>C, p.Glu1392Gln (NM_001407661.1, NM_001407662.1, NM_001407663.1 and 1 more transcripts); and 52 more; short protein forms E1419Q, E316Q, E1372Q, E1329Q, E1347Q, E1378Q, E206Q, E228Q.
Identifiers: ClinVar variation 55154 (VCV000055154.25), dbSNP rs80357309, ClinGen allele CA002735.

ClinVar aggregate classification (germline): Benign. Review status: reviewed by expert panel (3 of 4 stars). 11 submissions from 11 submitters: Benign (1). 10 of the submissions do not count toward it. Last evaluated 2015-08-10.

Conditions:
Breast and/or ovarian cancer. Identifiers: MedGen CN221562.
Hereditary breast ovarian cancer syndrome. Also called: BRCA1- and BRCA2-Associated Hereditary Breast and Ovarian Cancer; Hereditary breast and ovarian cancer syndrome; Hereditary breast and ovarian cancer syndrome (HBOC); Breast and ovarian cancer; Hereditary breast and/or ovarian cancer syndrome; Hereditary breast and ovarian cancer. Identifiers: Orphanet 145, MedGen C0677776, MeSH D061325, MONDO:0003582. Disease mechanism: loss of function.
Breast-ovarian cancer, familial, susceptibility to, 1 (BROVCA1). Also called: BRCA1 Hereditary Breast and Ovarian Cancer; OVARIAN CANCER, SUSCEPTIBILITY TO. Identifiers: Orphanet 145, MedGen C2676676, MONDO:0011450, OMIM 604370. Disease mechanism: loss of function.
Hereditary cancer-predisposing syndrome. Also called: Hereditary Cancer Syndrome; Hereditary neoplastic syndrome; Neoplastic Syndromes, Hereditary; Tumor predisposition. Identifiers: Orphanet 140162, MedGen C0027672, MeSH D009386, MONDO:0015356.

Allele frequency attached by ClinVar (database versions not stated): TOPMed below 0.00001.
gnomAD v4.1: 6 of 1,614,138 alleles (0.00037%); highest among the groups gnomAD compares: Non-Finnish European, 0.00051%; no homozygotes.

Submissions (11):

Evidence-based Network for the Interpretation of Germline Mutant Alleles (ENIGMA)
Classification: Benign for Breast-ovarian cancer, familial 1. Last evaluated: 2015-08-10. Review status: reviewed by expert panel. Criteria: ENIGMA BRCA1/2 Classification Criteria (2015). Collection method: curation. Allele origin: germline.
Comment: IARC class based on posterior probability from multifactorial likelihood analysis, thresholds for class as per Plon et al. 2008 (PMID: 18951446). Class 1 based on posterior probability = 0.000152

Labcorp Genetics (formerly Invitae), Labcorp
Classification: Likely benign for Hereditary breast ovarian cancer syndrome. Last evaluated: 2025-07-03. Review status: criteria provided, single submitter. Criteria: Invitae Variant Classification Sherloc (09022015). Collection method: clinical testing. Allele origin: germline. Not counted in ClinVar's aggregate classification.

All of Us Research Program, National Institutes of Health
Classification: Benign for Breast-ovarian cancer, familial, susceptibility to, 1. Last evaluated: 2023-10-02. Review status: criteria provided, single submitter. Criteria: ACMG Guidelines, 2015. Collection method: clinical testing. Allele origin: germline. Inheritance: Autosomal dominant inheritance. Observed: 1 variant allele, 1 heterozygote. Not counted in ClinVar's aggregate classification.
Comment: This study involves interpretation of variants in research participants for the purpose of population health screening. Participant phenotype was not available at the time of variant classification. Additional details can be found in publication PMID: 35346344, PMCID: PMC8962531

Quest Diagnostics Nichols Institute San Juan Capistrano
Classification: Likely benign. Last evaluated: 2023-03-13. Review status: criteria provided, single submitter. Criteria: Quest Diagnostics criteria. Collection method: clinical testing. Allele origin: unknown. Not counted in ClinVar's aggregate classification.

GeneDx
Classification: Likely benign. Last evaluated: 2019-05-20. Review status: criteria provided, single submitter. Criteria: GeneDx Variant Classification Process June 2021. Collection method: clinical testing. Allele origin: germline. Affected: yes. Not counted in ClinVar's aggregate classification.
Comment: This variant is associated with the following publications: (PMID: 22949387, 18951461, 21120943, 22753008, 17924331, 21990134)

Women's Health and Genetics/Laboratory Corporation of America, LabCorp
Classification: Likely benign. Last evaluated: 2017-03-07. Review status: criteria provided, single submitter. Criteria: LabCorp Variant Classification Summary - May 2015. Collection method: clinical testing. Allele origin: germline. Not counted in ClinVar's aggregate classification.
Comment: Variant summary: The BRCA1 c.4255G>C (p.Glu1419Gln) variant causes a missense change involving the alteration of a non-conserved nucleotide. 2/4 in silico tools predict a benign outcome for this variant (SNPs&GO not captured due to low reliability index). This variant is absent in 121396 control chromosomes. However, multiple publications cite the variant with a classification of "likely neutral." In addition, multiple reputable databases/clinical laboratories cite the variant with a classification of "benign/likely benign/uncertain significance." In addition, a poster abstract (IUBMB 2015) cites a functional study that showed the variant to act comparable to wild type functions for transcriptional activation ability and PALB2 interaction. One recent functional study (Woods_2016) showed preserved transcriptional activity and no deleterious effects on the BRCA1-PALB2 protein-protein interaction in the presence of this variant. Taken together, this variant is classified as likely benign.

Color Diagnostics, LLC DBA Color Health
Classification: Benign for Hereditary cancer-predisposing syndrome. Last evaluated: 2016-03-04. Review status: criteria provided, single submitter. Criteria: ACMG Guidelines, 2015. Collection method: clinical testing. Allele origin: germline. Not counted in ClinVar's aggregate classification.

Ambry Genetics
Classification: Benign for Hereditary cancer-predisposing syndrome. Last evaluated: 2014-11-18. Review status: criteria provided, single submitter. Criteria: Ambry Variant Classification Scheme 2023. Collection method: clinical testing. Allele origin: germline. Not counted in ClinVar's aggregate classification.

Foulkes Cancer Genetics LDI, Lady Davis Institute for Medical Research
Classification: Likely benign for Breast and/or ovarian cancer. Last evaluated: 2012-08-27. Review status: no assertion criteria provided. Collection method: clinical testing. Allele origin: germline. Study: The Canadian Open Genetics Repository (COGR). Not counted in ClinVar's aggregate classification.

Breast Cancer Information Core (BIC) (BRCA1)
Classification: Uncertain significance for Breast-ovarian cancer, familial 1. Last evaluated: 2004-11-25. Review status: no assertion criteria provided. Collection method: clinical testing. Allele origin: germline. Affected: yes. Observed: 1 variant allele. Not counted in ClinVar's aggregate classification.

Department of Pathology and Laboratory Medicine, Sinai Health System
Classification: Likely benign for Breast-ovarian cancer, familial, susceptibility to, 1. Review status: no assertion criteria provided. Collection method: clinical testing. Allele origin: unknown. Affected: yes. Study: The Canadian Open Genetics Repository (COGR). Not counted in ClinVar's aggregate classification.
Comment: The p.Glu1419Gln variant has been identified in 2/114310 proband chromosomes of individuals with breast cancer and/or ovarian cancer; although, no control chromosomes were tested to establish the variant's frequency in the general population (Caux-Moncoutier 2011, Judkins 2005a, Lindor 2011, Millot 2012). The variant is listed in dbSNP database (ID#:rs80357309) as coming from a "clinical source" but no frequency information was provided, and so the prevalence of this variant in the population is not known. The p.Glu1419 residue is conserved in mammals, but computational analyses (PolyPhen, SIFT, AlignGVGD) do not suggest a high likelihood of impact to the protein. However, this information is not predictive enough to rule out pathogenicity. In addition, this variant is listed in the BIC (x1) database, as well as in the UMD mutation database to co-occur with a pathogenic mutation in BRCA2 c.3744_3747delTGAG (p.Ser1248ArgfsX10), increasing the likelihood that p.Glu1419Gln is benign. In summary, based on the above information, the p.Arg3370Arg variant is classified as predicted benign.

Literature cited by the submitters: PubMed 21990134 (cited by 3 submitters); PubMed 33471991 (cited by Quest Diagnostics Nichols Institute San Juan Capistrano); PubMed 33087888 (cited by Quest Diagnostics Nichols Institute San Juan Capistrano); PubMed 32377563 (cited by Quest Diagnostics Nichols Institute San Juan Capistrano); PubMed 30765603 (cited by Quest Diagnostics Nichols Institute San Juan Capistrano); PubMed 23704879 (cited by Quest Diagnostics Nichols Institute San Juan Capistrano and Women's Health and Genetics/Laboratory Corporation of America, LabCorp); PubMed 25348012 (cited by Quest Diagnostics Nichols Institute San Juan Capistrano and Women's Health and Genetics/Laboratory Corporation of America, LabCorp); PubMed 22753008 (cited by Quest Diagnostics Nichols Institute San Juan Capistrano and Women's Health and Genetics/Laboratory Corporation of America, LabCorp); PubMed 21120943 (cited by Quest Diagnostics Nichols Institute San Juan Capistrano and Women's Health and Genetics/Laboratory Corporation of America, LabCorp); PubMed 16267036 (cited by Quest Diagnostics Nichols Institute San Juan Capistrano and Women's Health and Genetics/Laboratory Corporation of America, LabCorp); PubMed 17924331 (cited by Quest Diagnostics Nichols Institute San Juan Capistrano and Women's Health and Genetics/Laboratory Corporation of America, LabCorp); PubMed 28781887 (cited by Quest Diagnostics Nichols Institute San Juan Capistrano).